The following is an entry in ClinVar:

ClinVar aggregate classification (germline): Conflicting classifications of pathogenicity. Review status: criteria provided, conflicting classifications (1 of 4 stars). 2 submissions from 2 submitters: Likely pathogenic (1); Uncertain significance (1). Last evaluated 2025-06-04.

Conditions:
Heterotaxy, visceral, 7, autosomal (HTX7). Identifiers: Orphanet 450, MedGen C4225217, MONDO:0014762, OMIM 616749.

Allele frequency attached by ClinVar (database versions not stated): gnomAD 0.00001.
gnomAD v4.1: 16 of 1,413,948 alleles (0.0011%); highest among the groups gnomAD compares: Non-Finnish European, 0.00028%; no homozygotes.

Submissions (2):

Clinical Genomics Laboratory, Washington University in St. Louis
Classification: Uncertain significance for Heterotaxy, visceral, 7, autosomal. Last evaluated: 2025-06-04. Review status: criteria provided, single submitter. Criteria: ACMG Guidelines, 2015. Collection method: clinical testing. Allele origin: germline.
Comment: The MMP21 c.281G>C (p.Arg94Pro) variant has been reported in one individual affected with right-sided stomach, pulmonary atresia, univentricular heart, and ventricular septal defect, who was compound heterozygous for this variant and a pathogenic or likely pathogenic variant confirmed in trans (Westphal DS et al., PMID: 30868567). This variant has been reported in the ClinVar database as a germline likely pathogenic variant by one submitter. The highest population minor allele frequency in the population database genome aggregation database (v.4.1.0) is 0.05% in the Ashkenazi Jewish population. Computational predictors suggest that the variant does not impact MMP21 function. Due to limited information, and based on ACMG/AMP guidelines for variant interpretation (Richards S et al., PMID: 25741868), the clinical significance of this variant is uncertain at this time.The MMP21 c.727G>T (p.Asp243Tyr) variant, to our knowledge, has not been reported in the medical literature. This variant is only observed on 2/1,613,922 alleles in the general population (gnomAD v.4.1.0), indicating it is not a common variant. Computational predictors are uncertain as to the impact of this variant on MMP21 function. Due to limited information, and based on ACMG/AMP guidelines for variant interpretation (Richards S et al., PMID: 25741868), the clinical significance of this variant is uncertain at this time.

Institute of Human Genetics Munich, TUM University Hospital
Classification: Likely pathogenic for Heterotaxy, visceral, 7, autosomal. Last evaluated: 2017-06-07. Review status: criteria provided, single submitter. Criteria: Classification criteria August 2017. Collection method: clinical testing. Allele origin: maternal. Inheritance: Autosomal recessive inheritance. Affected: yes. Observed: 1 compound heterozygote.

NM_147191.1(MMP21):c.281G>C (p.Arg94Pro)

Gene: MMP21 (matrix metallopeptidase 21; minus strand). Cytogenetic location: 10q26.2.
Variant type: single nucleotide variant.
Coding change: c.281G>C on transcript NM_147191.1 (MANE Select); coding-DNA position 281, G replaced by C.
Protein change: p.Arg94Pro; replaces arginine 94 with proline.
Molecular consequence: missense variant.
Genome position (GRCh38, 1-based): chr10:125,774,247, C>G on the plus strand (G>C on the coding strand, the complement: MMP21 is on the minus strand). VCF-style: chr10-125774247-C-G. GRCh37 (hg19) VCF-style: chr10-127462816-C-G.
Other names: short protein forms R94P.
Identifiers: ClinVar variation 976665 (VCV000976665.4), dbSNP rs912256328, ClinGen allele CA378681999.